The following is an entry in ClinVar:

ClinVar aggregate classification (germline): Uncertain significance. Review status: criteria provided, multiple submitters, no conflicts (2 of 4 stars). 2 submissions from 2 submitters: Uncertain significance (2). Last evaluated 2023-07-06.

Conditions:
Charcot-Marie-Tooth disease type 4. Also called: Charcot-Marie-Tooth disease, type IV; Charcot-Marie-Tooth, Type 4. Identifiers: Orphanet 64749, MedGen C4082197, MONDO:0018995.

Allele frequency attached by ClinVar (database versions not stated): gnomAD 0.00001; gnomAD exomes 0.00001; TOPMed 0.00001; ExAC 0.00002.

Submissions (2):

Blueprint Genetics
Classification: Uncertain significance. Last evaluated: 2023-07-06. Review status: criteria provided, single submitter. Criteria: ACMG Guidelines, 2015. Collection method: clinical testing. Allele origin: germline.

Labcorp Genetics (formerly Invitae), Labcorp
Classification: Uncertain significance for Charcot-Marie-Tooth disease type 4. Last evaluated: 2022-11-01. Review status: criteria provided, single submitter. Criteria: Invitae Variant Classification Sherloc (09022015). Collection method: clinical testing. Allele origin: germline.
Comment: This sequence change replaces arginine, which is basic and polar, with glycine, which is neutral and non-polar, at codon 336 of the SH3TC2 protein (p.Arg336Gly). This variant is present in population databases (rs781032352, gnomAD 0.003%). This variant has not been reported in the literature in individuals affected with SH3TC2-related conditions. ClinVar contains an entry for this variant (Variation ID: 863097). Advanced modeling of protein sequence and biophysical properties (such as structural, functional, and spatial information, amino acid conservation, physicochemical variation, residue mobility, and thermodynamic stability) performed at Invitae indicates that this missense variant is not expected to disrupt SH3TC2 protein function. In summary, the available evidence is currently insufficient to determine the role of this variant in disease. Therefore, it has been classified as a Variant of Uncertain Significance.

NM_024577.4(SH3TC2):c.1006A>G (p.Arg336Gly)

Gene: SH3TC2 (SH3 domain and tetratricopeptide repeats 2; minus strand). Cytogenetic location: 5q32.
Variant type: single nucleotide variant.
Coding change: c.1006A>G on transcript NM_024577.4 (MANE Select); coding-DNA position 1006, A replaced by G.
Protein change: p.Arg336Gly; replaces arginine 336 with glycine.
Molecular consequence: missense variant.
Genome position (GRCh38, 1-based): chr5:149,031,683, T>C on the plus strand (A>G on the coding strand, the complement: SH3TC2 is on the minus strand). VCF-style: chr5-149031683-T-C. GRCh37 (hg19) VCF-style: chr5-148411246-T-C.
Other names: short protein forms R336G.
Identifiers: ClinVar variation 863097 (VCV000863097.8), dbSNP rs781032352, ClinGen allele CA3499308.